The following is an entry in ClinVar:

ClinVar aggregate classification (germline): Uncertain significance. Review status: criteria provided, multiple submitters, no conflicts (2 of 4 stars). 4 submissions from 4 submitters: Uncertain significance (4). Last evaluated 2025-09-29.

Conditions:
WT1-related disorder. Also called: WT1-related disorders. Identifiers: MedGen CN377814.
11p partial monosomy syndrome (WAGR). Also called: WAGR Spectrum Disorder; WAGR Complex; CHROMOSOME 11p13 DELETION SYNDROME; WAGR syndrome. Identifiers: Orphanet 893, MedGen C0206115, MONDO:0008681, OMIM 194072.
Wilms tumor 1 (WT1). Also called: Wilms tumor, somatic. Identifiers: Orphanet 654, MedGen CN033288, MONDO:0008679, OMIM 194070.
Frasier syndrome. Identifiers: Orphanet 347, MedGen C0950122, MeSH D052159, MONDO:0007635, OMIM 136680.
Drash syndrome (DDS). Also called: NEPHROPATHY, WILMS TUMOR, AND GENITAL ANOMALIES; WILMS TUMOR AND PSEUDO- OR TRUE HERMAPHRODITISM. Identifiers: Orphanet 220, MedGen C0950121, MONDO:0008682, OMIM 194080.
Inborn genetic diseases. Identifiers: MedGen C0950123, MeSH D030342.

Allele frequency attached by ClinVar (database versions not stated): gnomAD exomes below 0.00001; gnomAD 0.00001; TOPMed 0.00002.
gnomAD v4.1: 5 of 1,483,668 alleles (0.00034%); highest among the groups gnomAD compares: African/African-American, 0.0044%; no homozygotes.

Submissions (4):

PreventionGenetics, part of Exact Sciences
Classification: Uncertain significance for WT1-related condition. Last evaluated: 2025-09-29. Review status: criteria provided, single submitter. Criteria: ACMG Guidelines, 2015. Collection method: clinical testing. Allele origin: germline.
Comment: The WT1 c.271G>A variant is predicted to result in the amino acid substitution p.Gly91Ser. This variant is also referred to as C.286G>A (p.Gly96Ser) when using the NM_024426.6 transcript. To our knowledge, this variant has not been reported in the literature or in a large population database (gnomAD), indicating this variant is rare. At this time, the clinical significance of this variant is uncertain due to the absence of conclusive functional and genetic evidence.

Ambry Genetics
Classification: Uncertain significance for Inborn genetic diseases. Last evaluated: 2025-01-27. Review status: criteria provided, single submitter. Criteria: Ambry Variant Classification Scheme 2023. Collection method: clinical testing. Allele origin: germline.
Comment: The p.G91S variant (also known as c.271G>A), located in coding exon 1 of the WT1 gene, results from a G to A substitution at nucleotide position 271. The glycine at codon 91 is replaced by serine, an amino acid with similar properties. This amino acid position is conserved. In addition, this alteration is predicted to be tolerated by in silico analysis. Based on the available evidence, the clinical significance of this variant remains unclear.

Labcorp Genetics (formerly Invitae), Labcorp
Classification: Uncertain significance for Wilms tumor 1; Drash syndrome; 11p partial monosomy syndrome; Frasier syndrome. Last evaluated: 2024-02-25. Review status: criteria provided, single submitter. Criteria: Invitae Variant Classification Sherloc (09022015). Collection method: clinical testing. Allele origin: germline.
Comment: This sequence change replaces glycine, which is neutral and non-polar, with serine, which is neutral and polar, at codon 91 of the WT1 protein (p.Gly91Ser). This variant is not present in population databases (gnomAD no frequency). This variant has not been reported in the literature in individuals affected with WT1-related conditions. ClinVar contains an entry for this variant (Variation ID: 406682). An algorithm developed to predict the effect of missense changes on protein structure and function (PolyPhen-2) suggests that this variant¬¨‚Ä†is likely to be tolerated. In summary, the available evidence is currently insufficient to determine the role of this variant in disease. Therefore, it has been classified as a Variant of Uncertain Significance.

All of Us Research Program, National Institutes of Health
Classification: Uncertain significance for Wilms tumor 1. Last evaluated: 2024-01-11. Review status: criteria provided, single submitter. Criteria: ACMG Guidelines, 2015. Collection method: clinical testing. Allele origin: germline. Inheritance: Autosomal dominant inheritance. Observed: 1 variant allele, 1 heterozygote.
Comment: This study involves interpretation of variants in research participants for the purpose of population health screening. Participant phenotype was not available at the time of variant classification. Additional details can be found in publication PMID: 35346344, PMCID: PMC8962531

NM_024426.6(WT1):c.286G>A (p.Gly96Ser)

Genes: WT1 (WT1 transcription factor; minus strand), LOC107982234 (WT1/WT1-AS bi-directional promoter region; plus strand). Cytogenetic location: 11p13.
Variant type: single nucleotide variant.
Coding change: c.286G>A on transcript NM_024426.6 (MANE Select); coding-DNA position 286, G replaced by A.
Protein change: p.Gly96Ser; replaces glycine 96 with serine.
Molecular consequence: missense variant. On other transcripts: non-coding transcript variant (1).
Genome position (GRCh38, 1-based): chr11:32,435,075, C>T on the plus strand (G>A on the coding strand, the complement: WT1 is on the minus strand). VCF-style: chr11-32435075-C-T. GRCh37 (hg19) VCF-style: chr11-32456621-C-T.
Other names: c.286G>A, p.Gly96Ser (NM_000378.6, NM_024424.5); short protein forms G96S.
Identifiers: ClinVar variation 406682 (VCV000406682.17), dbSNP rs1060501254, ClinGen allele CA16613605.